The following is an entry in ClinVar:

NM_181501.2(ITGA1):c.2784A>G (p.Glu928=)

Genes: ITGA1 (integrin subunit alpha 1; plus strand), ITGA2-AS1 (ITGA2 antisense RNA 1; minus strand). Cytogenetic location: 5q11.2.
Variant type: single nucleotide variant.
Coding change: c.2784A>G on transcript NM_181501.2 (MANE Select); coding-DNA position 2784, A replaced by G.
Protein change: p.Glu928=; no amino-acid change (glutamic acid 928 retained).
Molecular consequence: synonymous variant. On other transcripts: non-coding transcript variant (1).
Genome position (GRCh38, 1-based): chr5:52,932,059, A>G. VCF-style: chr5-52932059-A-G. GRCh37 (hg19) VCF-style: chr5-52227889-A-G.
Identifiers: ClinVar variation 2655459 (VCV002655459.24), dbSNP rs747772600, ClinGen allele CA3262202.

ClinVar aggregate classification (germline): Likely benign (1 of 4 stars; one submission).

Allele frequency attached by ClinVar (database versions not stated): ExAC 0.00001; gnomAD exomes 0.00001.
gnomAD v4.1: 9 of 1,603,574 alleles (0.00056%); highest among the groups gnomAD compares: Non-Finnish European, 0.00068%; no homozygotes.

Submission:

CeGaT Center for Human Genetics Tuebingen
Classification: Likely benign. Last evaluated: 2022-03-01. Review status: criteria provided, single submitter. Criteria: CeGaT Center For Human Genetics Tuebingen Variant Classification Criteria Version 2. Collection method: clinical testing. Allele origin: germline. Affected: yes. Observed: 1 variant allele.
Comment: ITGA1: BP4, BP7